The following is an entry in ClinVar:

Conditions:
Breast-ovarian cancer, familial, susceptibility to, 1 (BROVCA1). Also called: BRCA1 Hereditary Breast and Ovarian Cancer; OVARIAN CANCER, SUSCEPTIBILITY TO. Identifiers: Orphanet 145, MedGen C2676676, MONDO:0011450, OMIM 604370. Disease mechanism: loss of function.

Submission:

Brotman Baty Institute, University of Washington
No classification provided (evidence only). Condition: Breast-ovarian cancer, familial 1. Review status: no classification provided. Collection method: in vitro. Allele origin: not applicable. Functional consequence: functionally_normal.
ClinVar note: "not provided" was previously submitted as the classification for the variant. However, the classification appeared to be based only on an observation of functional data so it was converted to no classification on 2025-07-30.

NM_007294.4(BRCA1):c.5209A>C (p.Arg1737=)

Gene: BRCA1 (BRCA1 DNA repair associated; minus strand). Cytogenetic location: 17q21.31.
Variant type: single nucleotide variant.
Coding change: c.5209A>C on transcript NM_007294.4 (MANE Select); coding-DNA position 5209, A replaced by C.
Protein change: p.Arg1737=; no amino-acid change (arginine 1737 retained).
Molecular consequence: synonymous variant.
Genome position (GRCh38, 1-based): chr17:43,057,120, T>G on the plus strand (A>C on the coding strand, the complement: BRCA1 is on the minus strand). VCF-style: chr17-43057120-T-G. GRCh37 (hg19) VCF-style: chr17-41209137-T-G.
Other names: c.4996A>C, p.Arg1666= (NM_001407571.1, NM_001407894.1, NM_001407895.1 and 12 more transcripts); c.5275A>C, p.Arg1759= (NM_001407581.1, NM_001407582.1); c.5272A>C, p.Arg1758= (NM_001407583.1, NM_001407585.1, NM_001407587.1 and 1 more transcripts); c.5269A>C, p.Arg1757= (NM_001407590.1, NM_001407591.1); c.5209A>C, p.Arg1737= (NM_001407593.1, NM_001407594.1, NM_001407596.1 and 7 more transcripts); c.5206A>C, p.Arg1736= (NM_001407610.1, NM_001407611.1, NM_001407612.1 and 17 more transcripts); c.5203A>C, p.Arg1735= (NM_001407627.1, NM_001407628.1, NM_001407629.1 and 14 more transcripts); c.5200A>C, p.Arg1734= (NM_001407644.1, NM_001407645.1); and 72 more.
Identifiers: ClinVar variation 868183 (VCV000868183.3), dbSNP rs80357496, ClinGen allele CA500144837.
Genomic context (GRCh38, chr17:43,057,120, plus strand): 5'-CCTGGGATTCTCTTGCTCGCTTTGGACCTTGGTGGTTTCTTCCATTGACCACATCTCCTC[T>G]GACTTCAAAATCATGCTGAAAGAAACCAAACACAACCCATCAGGATAAGAGAAAGAGAAG-3'
Protein context (NP_009225.1, residues 1727-1747): KMLNEHDFEV[Arg1737=]GDVVNGRNHQ